The following is an entry in ClinVar:

ClinVar aggregate classification (germline): Conflicting classifications of pathogenicity. Review status: criteria provided, conflicting classifications (1 of 4 stars). 3 submissions from 3 submitters: Uncertain significance (2); Benign (1). Last evaluated 2025-07-07.

Conditions:
Gorlin syndrome. Also called: Nevoid Basal Cell Carcinoma Syndrome; Basal cell nevus syndrome. Identifiers: Orphanet 377, MedGen C0004779, MONDO:0007187.
Hereditary cancer-predisposing syndrome. Also called: Hereditary neoplastic syndrome; Neoplastic Syndromes, Hereditary; Tumor predisposition; Hereditary Cancer Syndrome. Identifiers: Orphanet 140162, MedGen C0027672, MeSH D009386, MONDO:0015356.
Basal cell carcinoma, susceptibility to, 1. Also called: BCC1. Identifiers: MedGen C2751544, MONDO:0011556, OMIM 605462.
Holoprosencephaly 7 (HPE7). Identifiers: Orphanet 2162, MedGen C1835820, MONDO:0012562, OMIM 610828.

Allele frequency attached by ClinVar (database versions not stated): TOPMed below 0.00001; gnomAD 0.00001; gnomAD exomes 0.00002.
gnomAD v4.1: 31 of 1,614,022 alleles (0.0019%); highest among the groups gnomAD compares: Non-Finnish European, 0.0025%; no homozygotes.

Submissions (3):

Labcorp Genetics (formerly Invitae), Labcorp
Classification: Benign for Gorlin syndrome. Last evaluated: 2025-07-07. Review status: criteria provided, single submitter. Criteria: Invitae Variant Classification Sherloc (09022015). Collection method: clinical testing. Allele origin: germline.

Ambry Genetics
Classification: Uncertain significance for Hereditary cancer-predisposing syndrome. Last evaluated: 2024-12-06. Review status: criteria provided, single submitter. Criteria: Ambry Variant Classification Scheme 2023. Collection method: clinical testing. Allele origin: germline.
Comment: The p.E380K variant (also known as c.1138G>A), located in coding exon 8 of the PTCH1 gene, results from a G to A substitution at nucleotide position 1138. The glutamic acid at codon 380 is replaced by lysine, an amino acid with similar properties. This amino acid position is not well conserved in available vertebrate species. In addition, the in silico prediction for this alteration is inconclusive. Since supporting evidence is limited at this time, the clinical significance of this alteration remains unclear.

Fulgent Genetics
Classification: Uncertain significance for Basal cell nevus syndrome 1; Basal cell carcinoma, susceptibility to, 1; Holoprosencephaly 7. Last evaluated: 2018-10-31. Review status: criteria provided, single submitter. Criteria: ACMG Guidelines, 2015. Collection method: clinical testing. Allele origin: unknown.

NM_000264.5(PTCH1):c.1138G>A (p.Glu380Lys)

Gene: PTCH1 (patched 1; minus strand). Cytogenetic location: 9q22.32.
Variant type: single nucleotide variant.
Coding change: c.1138G>A on transcript NM_000264.5 (MANE Select); coding-DNA position 1138, G replaced by A.
Protein change: p.Glu380Lys; replaces glutamic acid 380 with lysine.
Molecular consequence: missense variant. On other transcripts: non-coding transcript variant (1).
Genome position (GRCh38, 1-based): chr9:95,479,077, C>T on the plus strand (G>A on the coding strand, the complement: PTCH1 is on the minus strand). VCF-style: chr9-95479077-C-T. GRCh37 (hg19) VCF-style: chr9-98241359-C-T.
Other names: c.940G>A, p.Glu314Lys (NM_001083602.3); c.1135G>A, p.Glu379Lys (NM_001083603.3); c.685G>A, p.Glu229Lys (NM_001083604.3, NM_001083605.3, NM_001083606.3 and 1 more transcripts); c.1138G>A, p.Glu380Lys (NM_001354918.2); short protein forms E380K, E314K, E229K, E379K.
Identifiers: ClinVar variation 409137 (VCV000409137.15), dbSNP rs772903899, ClinGen allele CA16612867.